The following is an entry in ClinVar:

ClinVar aggregate classification (germline): Pathogenic (1 of 4 stars; one submission).

Submission:

GeneDx
Classification: Pathogenic. Last evaluated: 2017-09-27. Review status: criteria provided, single submitter. Criteria: GeneDx Variant Classification (06012015). Collection method: clinical testing. Allele origin: germline. Affected: yes.
Comment: The c.251_252insAA variant in the WAC gene has not been reported previously as a pathogenic variant nor as a benign variant, to our knowledge. The c.251_252insAA variant causes a frameshift starting with codon Histidine 84, changes this amino acid to a Glutamine residue, and creates a premature Stop codon at position 109 of the new reading frame, denoted p.His84GlnfsX109. This variant is predicted to cause loss of normal protein function either through protein truncation or nonsense-mediated mRNA decay. The c.251_252insAA variant is not observed in large population cohorts (Lek et al., 2016). We interpret c.251_252insAA as a pathogenic variant.

NM_016628.5(WAC):c.251_252insAA (p.His84fs)

Gene: WAC (WW domain containing adaptor with coiled-coil; plus strand). Cytogenetic location: 10p12.1.
Variant type: Insertion.
Coding change: c.251_252insAA on transcript NM_016628.5 (MANE Select); coding-DNA positions 251 to 252, AA inserted.
Protein change: p.His84fs; shifts the reading frame from histidine 84.
Molecular consequence: frameshift variant.
Genome position: GRCh38 VCF-style: chr10-28535733-C-CAA. GRCh37 (hg19) VCF-style: chr10-28824662-C-CAA.
Other names: c.116_117insAA, p.His39fs (NM_100264.3); c.251_252insAA, p.His84fs (NM_100486.4); short protein forms H84fs, H39fs.
Identifiers: ClinVar variation 452335 (VCV000452335.2), dbSNP rs1554776447, ClinGen allele CA658657957.
Genomic context (GRCh38, chr10:28,535,733, plus strand): 5'-AGTCCTGAAAACAAATACAGTGACAGCACAGGTCACAGTAAGGCCAAAAATGTGCATACT[C>CAA]ACAGAGTTAGAGAGAGGGATGGTGGTGAGTATCTTTCTTGTTGAAACTTTGACATACAGT-3'